The following is an entry in ClinVar:

ClinVar aggregate classification (germline): Benign. Review status: criteria provided, multiple submitters, no conflicts (2 of 4 stars). 2 submissions from 2 submitters: Benign (2). Last evaluated 2018-06-14.

Allele frequency attached by ClinVar (database versions not stated): 1000 Genomes Project 30x 0.21330; gnomAD 0.24569 and 0.24935; gnomAD exomes 0.24658; TOPMed 0.24733.
gnomAD v4.1: 110,498 of 448,768 alleles (25%); highest among the groups gnomAD compares: Middle Eastern, 29%; 13,919 homozygotes.

Submissions (2):

GeneDx
Classification: Benign. Last evaluated: 2018-06-14. Review status: criteria provided, single submitter. Criteria: GeneDx Variant Classification (06012015). Collection method: clinical testing. Allele origin: germline. Affected: yes.
Comment: This variant is considered likely benign or benign based on one or more of the following criteria: it is a conservative change, it occurs at a poorly conserved position in the protein, it is predicted to be benign by multiple in silico algorithms, and/or has population frequency not consistent with disease.

Breakthrough Genomics
Classification: Benign. Review status: criteria provided, single submitter. Criteria: ACMG Guidelines, 2015. Collection method: not provided. Allele origin: germline. Inheritance: Autosomal dominant inheritance. Affected: yes.

NM_001098511.3(KIF2A):c.457+201T>G

Gene: KIF2A (kinesin family member 2A; plus strand). Cytogenetic location: 5q12.1.
Variant type: single nucleotide variant.
Coding change: c.457+201T>G on transcript NM_001098511.3 (MANE Select); 201 bases into the intron after coding-DNA position 457, T replaced by G.
Molecular consequence: intron variant.
Genome position (GRCh38, 1-based): chr5:62,352,911, T>G. VCF-style: chr5-62352911-T-G. GRCh37 (hg19) VCF-style: chr5-61648738-T-G.
Other names: c.376+201T>G (NM_001243952.2); c.457+201T>G (NM_004520.5); c.400+258T>G (NM_001243953.2).
Identifiers: ClinVar variation 682860 (VCV000682860.2), dbSNP rs10939939, ClinGen allele CA120080800.